The following is an entry in ClinVar:

NM_018941.4(CLN8):c.112G>T (p.Val38Phe)

Gene: CLN8 (CLN8 transmembrane ER and ERGIC protein; plus strand). Cytogenetic location: 8p23.3.
Variant type: single nucleotide variant.
Coding change: c.112G>T on transcript NM_018941.4 (MANE Select); coding-DNA position 112, G replaced by T.
Protein change: p.Val38Phe; replaces valine 38 with phenylalanine.
Molecular consequence: missense variant.
Genome position (GRCh38, 1-based): chr8:1,771,166, G>T. VCF-style: chr8-1771166-G-T. GRCh37 (hg19) VCF-style: chr8-1719332-G-T.
Other names: short protein forms V38F.
Identifiers: ClinVar variation 970037 (VCV000970037.5), dbSNP rs370199508, ClinGen allele CA4599202.

ClinVar aggregate classification (germline): Uncertain significance. Review status: criteria provided, multiple submitters, no conflicts (2 of 4 stars). 3 submissions from 3 submitters: Uncertain significance (2). 1 of the submissions does not count toward it. Last evaluated 2023-10-02.

Conditions:
Neuronal ceroid lipofuscinosis. Also called: Neuronal Ceroid Lipofuscinoses. Identifiers: Orphanet 216, Orphanet 79263, MedGen C0027877, MONDO:0016295. Disease mechanism: loss of function.
Neuronal ceroid lipofuscinosis 8 (CLN8). Also called: CLN8-Related Neuronal Ceroid-Lipofuscinosis. Identifiers: Orphanet 168491, Orphanet 228354, Orphanet 79264, MedGen C1838570, MONDO:0010830, OMIM 600143.

gnomAD v4.1: 22 of 1,614,006 alleles (0.0014%); highest among the groups gnomAD compares: South Asian, 0.022%; no homozygotes.

Submissions (3):

GeneDx
Classification: Uncertain significance. Last evaluated: 2023-10-02. Review status: criteria provided, single submitter. Criteria: GeneDx Variant Classification Process June 2021. Collection method: clinical testing. Allele origin: germline. Affected: yes.
Comment: In silico analysis supports that this missense variant does not alter protein structure/function; Has not been previously published as pathogenic or benign to our knowledge

Labcorp Genetics (formerly Invitae), Labcorp
Classification: Uncertain significance for Neuronal ceroid lipofuscinosis. Last evaluated: 2021-08-27. Review status: criteria provided, single submitter. Criteria: Invitae Variant Classification Sherloc (09022015). Collection method: clinical testing. Allele origin: germline.
Comment: This sequence change replaces valine with phenylalanine at codon 38 of the CLN8 protein (p.Val38Phe). The valine residue is highly conserved and there is a small physicochemical difference between valine and phenylalanine. This variant is present in population databases (rs370199508, ExAC 0.03%). This variant has not been reported in the literature in individuals affected with CLN8-related conditions. Algorithms developed to predict the effect of missense changes on protein structure and function are either unavailable or do not agree on the potential impact of this missense change (SIFT: "Deleterious"; PolyPhen-2: "Probably Damaging"; Align-GVGD: "Class C0"). In summary, the available evidence is currently insufficient to determine the role of this variant in disease. Therefore, it has been classified as a Variant of Uncertain Significance.

Natera, Inc.
Classification: Uncertain significance for Neuronal ceroid lipofuscinosis 8. Last evaluated: 2020-02-13. Review status: no assertion criteria provided. Collection method: clinical testing. Allele origin: germline. Not counted in ClinVar's aggregate classification.